The following is an entry in ClinVar:

ClinVar aggregate classification (germline): Uncertain significance (1 of 4 stars; one submission).

Conditions:
TRIM71-related disorder. Also called: TRIM71-related condition.

gnomAD v4.1: 4 of 1,612,530 alleles (0.00025%); highest among the groups gnomAD compares: Non-Finnish European, 0.00034%; no homozygotes.

Submission:

PreventionGenetics, part of Exact Sciences
Classification: Uncertain significance for TRIM71-related condition. Last evaluated: 2026-08-07. Review status: criteria provided, single submitter. Criteria: ACMG Guidelines, 2015. Collection method: clinical testing. Allele origin: germline.
Comment: The TRIM71 c.829T>C variant is predicted to result in the amino acid substitution p.Phe277Leu. To our knowledge, this variant has not been reported in the literature. This variant is reported in 0.00092% of alleles in individuals of European (Non-Finnish) descent in gnomAD. At this time, the clinical significance of this variant is uncertain due to the absence of conclusive functional and genetic evidence.

NM_001039111.3(TRIM71):c.829T>C (p.Phe277Leu)

Gene: TRIM71 (tripartite motif containing 71; plus strand). Cytogenetic location: 3p22.3.
Variant type: single nucleotide variant.
Coding change: c.829T>C on transcript NM_001039111.3 (MANE Select); coding-DNA position 829, T replaced by C.
Protein change: p.Phe277Leu; replaces phenylalanine 277 with leucine.
Molecular consequence: missense variant.
Genome position (GRCh38, 1-based): chr3:32,818,909, T>C. VCF-style: chr3-32818909-T-C. GRCh37 (hg19) VCF-style: chr3-32860401-T-C.
Other names: short protein forms F277L.
Identifiers: ClinVar variation 4977990 (VCV004977990.1).